The following is an entry in ClinVar:

ClinVar aggregate classification (germline): Uncertain significance (1 of 4 stars; one submission).

Conditions:
Cardiomyopathy (CMYO). Also called: Cardiomyopathies. Identifiers: Orphanet 167848, MedGen C0878544, MONDO:0004994, HP:0001638. Inheritance: Various modes of inheritance.

Submission:

All of Us Research Program, National Institutes of Health
Classification: Uncertain significance for Cardiomyopathy. Last evaluated: 2023-12-18. Review status: criteria provided, single submitter. Criteria: ACMG Guidelines, 2015. Collection method: clinical testing. Allele origin: germline. Inheritance: Autosomal dominant inheritance. Observed: 1 variant allele, 1 heterozygote.
Comment: This missense variant replaces serine with cysteine at codon 1915 of the MYH7 protein. Computational prediction is inconclusive regarding the impact of this variant on protein structure and function (internally defined REVEL score threshold 0.5 < inconclusive < 0.7, PMID: 27666373). To our knowledge, functional studies have not been reported for this variant. This variant has not been reported in individuals affected with MYH7-related disorders in the literature. This variant has not been identified in the general population by the Genome Aggregation Database (gnomAD). The available evidence is insufficient to determine the role of this variant in disease conclusively. Therefore, this variant is classified as a Variant of Uncertain Significance.

This study involves interpretation of variants in research participants for the purpose of population health screening. Participant phenotype was not available at the time of variant classification. Additional details can be found in publication PMID: 35346344, PMCID: PMC8962531

NM_000257.4(MYH7):c.5744C>G (p.Ser1915Cys)

Gene: MYH7 (myosin heavy chain 7; minus strand). Cytogenetic location: 14q11.2.
Variant type: single nucleotide variant.
Coding change: c.5744C>G on transcript NM_000257.4 (MANE Select); coding-DNA position 5744, C replaced by G.
Protein change: p.Ser1915Cys; replaces serine 1915 with cysteine.
Molecular consequence: missense variant.
Genome position (GRCh38, 1-based): chr14:23,413,805, G>C on the plus strand (C>G on the coding strand, the complement: MYH7 is on the minus strand). VCF-style: chr14-23413805-G-C. GRCh37 (hg19) VCF-style: chr14-23883014-G-C.
Other names: c.5744C>G, p.Ser1915Cys (NM_001407004.1); short protein forms S1915C.
Identifiers: ClinVar variation 3075137 (VCV003075137.1), dbSNP rs2502232975, ClinGen allele CA389034566.
Genomic context (GRCh38, chr14:23,413,805, plus strand): 5'-AAAGAGGGACCCACCTTCGTGCCAATGTCACGGCTCTTGGCCCGCAGCTTGTTGACCTGG[G>C]ACTCGGCGATGTCCGCCCGCTCCTCTGCCTCATCCAGCTCGTGCTGCACCTTGCGGAACT-3'
Protein context (NP_000248.2, residues 1905-1925): EAEERADIAE[Ser1915Cys]QVNKLRAKSR